The following is an entry in ClinVar:

ClinVar aggregate classification (germline): Likely benign. Review status: criteria provided, multiple submitters, no conflicts (2 of 4 stars). 2 submissions from 2 submitters: Likely benign (2). Last evaluated 2025-07-08.

Conditions:
Tuberous sclerosis 2 (TSC2). Identifiers: Orphanet 805, MedGen C1860707, MONDO:0013199, OMIM 613254.

Submissions (2):

Labcorp Genetics (formerly Invitae), Labcorp
Classification: Likely benign for Tuberous sclerosis 2. Last evaluated: 2025-07-08. Review status: criteria provided, single submitter. Criteria: Invitae Variant Classification Sherloc (09022015). Collection method: clinical testing. Allele origin: germline.

Myriad Genetics, Inc.
Classification: Likely benign for Tuberous sclerosis 2. Last evaluated: 2025-04-30. Review status: criteria provided, single submitter. Criteria: Myriad Autosomal Dominant, Autosomal Recessive and X-Linked Classification Criteria (2023). Collection method: clinical testing. Allele origin: unknown.
Comment: This variant is considered likely benign. This variant is intronic and is not expected to impact mRNA splicing.

NM_000548.5(TSC2):c.139-12A>G

Gene: TSC2 (TSC complex subunit 2; plus strand). Cytogenetic location: 16p13.3.
Variant type: single nucleotide variant.
Coding change: c.139-12A>G on transcript NM_000548.5 (MANE Select); 12 bases into the intron before coding-DNA position 139, A replaced by G.
Molecular consequence: intron variant.
Genome position (GRCh38, 1-based): chr16:2,050,388, A>G. VCF-style: chr16-2050388-A-G. GRCh37 (hg19) VCF-style: chr16-2100389-A-G.
Other names: c.-1599-12A>G (NM_001406693.1); c.139-12A>G (NM_001406667.1, NM_001406668.1, NM_001114382.3 and 13 more transcripts); c.-678-12A>G (NM_001406680.1, NM_001406683.1, NM_001406687.1); c.-1293-12A>G (NM_001406689.1, NM_001406690.1, NM_001406692.1 and 2 more transcripts); c.-1469-12A>G (NM_001406698.1); c.-1174-12A>G (NM_001406694.1, NM_001406695.1); c.-1281-12A>G (NM_001406696.1); c.-307-12A>G (NM_001406681.1); and 3 more.
Identifiers: ClinVar variation 3609641 (VCV003609641.3).